The following is an entry in ClinVar:

ClinVar aggregate classification (germline): Uncertain significance. Review status: criteria provided, single submitter (1 of 4 stars). 2 submissions from 1 submitter: Uncertain significance (1). 1 of the submissions does not count toward it. Last evaluated 2019-10-03.

Conditions:
Familial adenomatous polyposis 1 (FAP1). Also called: POLYPOSIS, ADENOMATOUS INTESTINAL; FAMILIAL ADENOMATOUS POLYPOSIS 1, ATTENUATED. Identifiers: MedGen C2713442, MONDO:0021056, OMIM 175100. Disease mechanism: loss of function.

Submissions (2):

Labcorp Genetics (formerly Invitae), Labcorp
Classification: Uncertain significance for Familial adenomatous polyposis 1. Last evaluated: 2019-10-03. Review status: criteria provided, single submitter. Criteria: Invitae Variant Classification Sherloc (09022015). Collection method: clinical testing. Allele origin: germline.
Comment: This variant results in a copy number gain of the genomic region encompassing promoter 1B through exon 5 of the APC gene. The 5' end of this event is unknown as it extends beyond the assayed region for this gene and therefore may encompass additional genes. The 3' boundary is likely confined to intron 5 of the APC gene. As the precise location of this event is unknown, it may be in tandem or it may be located elsewhere in the genome. A similar copy number gain has not been reported in the literature in individuals with APC-related disease. Experimental studies and prediction algorithms are not available for this variant, and the functional significance this copy number gain is currently unknown. In summary, the available evidence is currently insufficient to determine the role of this variant in disease. Therefore, it has been classified as a Variant of Uncertain Significance.

Labcorp Genetics (formerly Invitae), Labcorp
Classification: Uncertain significance for Familial adenomatous polyposis 1. Last evaluated: 2019-10-03. Review status: flagged submission. Criteria: Invitae Variant Classification Sherloc (09022015). Collection method: clinical testing. Allele origin: germline. Not counted in ClinVar's aggregate classification.
Comment: the same text as in the submission from Labcorp Genetics (formerly Invitae), Labcorp above.
ClinVar note: Reason: This record appears to be redundant with a more recent record from the same submitter.
ClinVar note: Notes: SCV001195531 appears to be redundant with SCV002300740.

NC_000005.10:g.(?_112707312)_(112779851_?)dup

Gene: APC (APC regulator of Wnt signaling pathway; plus strand). Cytogenetic location: 5q22.2.
Variant type: Duplication.
Identifiers: ClinVar variation 831680 (VCV000831680.3).